The following is an entry in ClinVar:

NM_001042472.3(ABHD12):c.19C>T (p.Pro7Ser)

Genes: ABHD12 (abhydrolase domain containing 12, lysophospholipase; minus strand), LOC130065586 (ATAC-STARR-seq lymphoblastoid silent region 12752; plus strand). Cytogenetic location: 20p11.21.
Variant type: single nucleotide variant.
Coding change: c.19C>T on transcript NM_001042472.3 (MANE Select); coding-DNA position 19, C replaced by T.
Protein change: p.Pro7Ser; replaces proline 7 with serine.
Molecular consequence: missense variant.
Genome position (GRCh38, 1-based): chr20:25,390,685, G>A on the plus strand (C>T on the coding strand, the complement: ABHD12 is on the minus strand). VCF-style: chr20-25390685-G-A. GRCh37 (hg19) VCF-style: chr20-25371321-G-A.
Other names: c.19C>T, p.Pro7Ser (NM_015600.5); c.19C>T (NM_001042472.2); short protein forms P7S.
Identifiers: ClinVar variation 1417061 (VCV001417061.7), dbSNP rs1042378735, ClinGen allele CA313686294.
Genomic context (GRCh38, chr20:25,390,685, plus strand): 5'-CGGCCGAGCCGGAGGAGGACGAGCCCGCGGCGGCGCAGCGCTCATGCTCCAAGGCGACGG[G>A]CTCGGTCCGCTTCCTCATCCCGCGGCCGACAGGGCCAGCCGCCGACGGCGCCCGCTGGCC-3'
Protein context (NP_001035937.1, residues 1-17): MRKRTE[Pro7Ser]VALEHERCAA

ClinVar aggregate classification (germline): Uncertain significance. Review status: criteria provided, multiple submitters, no conflicts (2 of 4 stars). 5 submissions from 5 submitters: Uncertain significance (5). Last evaluated 2026-09-25.

Conditions:
ABHD12-related disorder. Also called: ABHD12-related condition.

Allele frequency attached by ClinVar (database versions not stated): gnomAD 0.00003 and 0.00004; gnomAD exomes 0.00003; TOPMed 0.00003.

Submissions (5):

PreventionGenetics, part of Exact Sciences
Classification: Uncertain significance for ABHD12-related condition. Last evaluated: 2026-09-25. Review status: criteria provided, single submitter. Criteria: ACMG Guidelines, 2015. Collection method: clinical testing. Allele origin: germline.
Comment: The ABHD12 c.19C>T variant is predicted to result in the amino acid substitution p.Pro7Ser. To our knowledge, this variant has not been reported in the literature. This variant is reported in 0.0083% of alleles in individuals of Latino descent in gnomAD. At this time, the clinical significance of this variant is uncertain due to the absence of conclusive functional and genetic evidence.

GeneDx
Classification: Uncertain significance. Last evaluated: 2026-01-27. Review status: criteria provided, single submitter. Criteria: GeneDx Variant Classification Process June 2021. Collection method: clinical testing. Allele origin: germline.
Comment: In silico analysis suggests that this missense variant does not alter protein structure/function; Has not been previously published as pathogenic or benign to our knowledge

Blueprint Genetics
Classification: Uncertain significance. Last evaluated: 2024-09-16. Review status: criteria provided, single submitter. Criteria: ACMG Guidelines, 2015. Collection method: clinical testing. Allele origin: germline.

Labcorp Genetics (formerly Invitae), Labcorp
Classification: Uncertain significance. Last evaluated: 2022-08-16. Review status: criteria provided, single submitter. Criteria: Invitae Variant Classification Sherloc (09022015). Collection method: clinical testing. Allele origin: germline.
Comment: This sequence change replaces proline, which is neutral and non-polar, with serine, which is neutral and polar, at codon 7 of the ABHD12 protein (p.Pro7Ser). The frequency data for this variant in the population databases is considered unreliable, as metrics indicate poor data quality at this position in the gnomAD database. This variant has not been reported in the literature in individuals affected with ABHD12-related conditions. ClinVar contains an entry for this variant (Variation ID: 1417061). Algorithms developed to predict the effect of missense changes on protein structure and function output the following: SIFT: "Tolerated"; PolyPhen-2: "Benign"; Align-GVGD: "Class C0". The serine amino acid residue is found in multiple mammalian species, which suggests that this missense change does not adversely affect protein function. In summary, the available evidence is currently insufficient to determine the role of this variant in disease. Therefore, it has been classified as a Variant of Uncertain Significance.

Breakthrough Genomics
Classification: Uncertain significance. Review status: criteria provided, single submitter. Criteria: ACMG Guidelines, 2015. Collection method: not provided. Allele origin: germline. Inheritance: Autosomal dominant inheritance. Affected: yes.